The following is an entry in ClinVar:

NM_032444.4(SLX4):c.2464A>G (p.Met822Val)

Gene: SLX4 (SLX4 structure-specific endonuclease subunit; minus strand). Cytogenetic location: 16p13.3.
Variant type: single nucleotide variant.
Coding change: c.2464A>G on transcript NM_032444.4 (MANE Select); coding-DNA position 2464, A replaced by G.
Protein change: p.Met822Val; replaces methionine 822 with valine.
Molecular consequence: missense variant.
Genome position (GRCh38, 1-based): chr16:3,591,174, T>C on the plus strand (A>G on the coding strand, the complement: SLX4 is on the minus strand). VCF-style: chr16-3591174-T-C. GRCh37 (hg19) VCF-style: chr16-3641175-T-C.
Other names: short protein forms M822V.
Identifiers: ClinVar variation 1318905 (VCV001318905.5), dbSNP rs779985555, ClinGen allele CA7866145.

ClinVar aggregate classification (germline): Uncertain significance. Review status: criteria provided, multiple submitters, no conflicts (2 of 4 stars). 2 submissions from 2 submitters: Uncertain significance (2). Last evaluated 2024-05-13.

Conditions:
Fanconi anemia (FA). Also called: Fanconi's anemia. Identifiers: Orphanet 84, MedGen C0015625, MeSH D005199, MONDO:0019391.

Allele frequency attached by ClinVar (database versions not stated): gnomAD exomes below 0.00001 and 0.00001; ExAC 0.00001.
gnomAD v4.1: 5 of 1,614,214 alleles (0.00031%); highest among the groups gnomAD compares: Admixed American, 0.0033%; no homozygotes.

Submissions (2):

Labcorp Genetics (formerly Invitae), Labcorp
Classification: Uncertain significance for Fanconi anemia. Last evaluated: 2024-05-13. Review status: criteria provided, single submitter. Criteria: Invitae Variant Classification Sherloc (09022015). Collection method: clinical testing. Allele origin: germline.
Comment: This sequence change replaces methionine, which is neutral and non-polar, with valine, which is neutral and non-polar, at codon 822 of the SLX4 protein (p.Met822Val). This variant is present in population databases (rs779985555, gnomAD 0.006%). This variant has not been reported in the literature in individuals affected with SLX4-related conditions. ClinVar contains an entry for this variant (Variation ID: 1318905). Algorithms developed to predict the effect of missense changes on protein structure and function output the following: SIFT: "Not Available"; PolyPhen-2: "Benign"; Align-GVGD: "Not Available". The valine amino acid residue is found in multiple mammalian species, which suggests that this missense change does not adversely affect protein function. In summary, the available evidence is currently insufficient to determine the role of this variant in disease. Therefore, it has been classified as a Variant of Uncertain Significance.

GeneDx
Classification: Uncertain significance. Last evaluated: 2019-02-19. Review status: criteria provided, single submitter. Criteria: GeneDx Variant Classification Process June 2021. Collection method: clinical testing. Allele origin: germline. Affected: yes.
Comment: In silico analysis, which includes protein predictors and evolutionary conservation, supports that this variant does not alter protein structure/function; Has not been previously published as pathogenic or benign to our knowledge; In silico analysis, which includes splice predictors and evolutionary conservation, suggests this variant may impact gene splicing. In the absence of RNA/functional studies, the actual effect of this sequence change is unknown.